The following is an entry in ClinVar:

ClinVar aggregate classification (germline): Uncertain significance (1 of 4 stars; one submission).

Submission:

CeGaT Center for Human Genetics Tuebingen
Classification: Uncertain significance. Last evaluated: 2024-09-01. Review status: criteria provided, single submitter. Criteria: CeGaT Center For Human Genetics Tuebingen Variant Classification Criteria Version 2. Collection method: clinical testing. Allele origin: germline. Affected: yes. Observed: 1 variant allele.
Comment: ANK3: PM2

NM_020987.5(ANK3):c.2047C>T (p.Leu683Phe)

Gene: ANK3 (ankyrin 3; minus strand). Cytogenetic location: 10q21.2.
Variant type: single nucleotide variant.
Coding change: c.2047C>T on transcript NM_020987.5 (MANE Select); coding-DNA position 2047, C replaced by T.
Protein change: p.Leu683Phe; replaces leucine 683 with phenylalanine.
Molecular consequence: missense variant.
Genome position (GRCh38, 1-based): chr10:60,186,753, G>A on the plus strand (C>T on the coding strand, the complement: ANK3 is on the minus strand). VCF-style: chr10-60186753-G-A. GRCh37 (hg19) VCF-style: chr10-61946511-G-A.
Other names: c.2029C>T, p.Leu677Phe (NM_001204403.2); c.1996C>T, p.Leu666Phe (NM_001204404.2); c.2047C>T, p.Leu683Phe (NM_001320874.2); short protein forms L666F, L677F, L683F.
Identifiers: ClinVar variation 3389764 (VCV003389764.14).
Genomic context (GRCh38, chr10:60,186,753, plus strand): 5'-TGTCAAGAAAGAAGTGGGTTACCTTATTGCTCAGGTTCACATTCGCATTTCTACCGAGGA[G>A]CAGCGACACCATGTCCACGTGCCCTTCCTGAGCTGCGAGATGGACGGAAGCAATTCCTTG-3'
Protein context (NP_066267.2, residues 673-693): QEGHVDMVSL[Leu683Phe]LGRNANVNLS